The following is an entry in ClinVar:

ClinVar aggregate classification (germline): Uncertain significance (1 of 4 stars; one submission).

Allele frequency attached by ClinVar (database versions not stated): gnomAD exomes below 0.00001.
gnomAD v4.1: 8 of 1,613,814 alleles (0.0005%); highest among the groups gnomAD compares: African/African-American, 0.004%; no homozygotes.

Submission:

Labcorp Genetics (formerly Invitae), Labcorp
Classification: Uncertain significance. Last evaluated: 2024-01-19. Review status: criteria provided, single submitter. Criteria: Invitae Variant Classification Sherloc (09022015). Collection method: clinical testing. Allele origin: germline.
Comment: This sequence change replaces glutamic acid, which is acidic and polar, with lysine, which is basic and polar, at codon 370 of the SAG protein (p.Glu370Lys). This variant is present in population databases (rs569235648, gnomAD 0.007%). This variant has not been reported in the literature in individuals affected with SAG-related conditions. ClinVar contains an entry for this variant (Variation ID: 1965924). Algorithms developed to predict the effect of missense changes on protein structure and function output the following: SIFT: "Not Available"; PolyPhen-2: "Benign"; Align-GVGD: "Not Available". The lysine amino acid residue is found in multiple mammalian species, which suggests that this missense change does not adversely affect protein function. In summary, the available evidence is currently insufficient to determine the role of this variant in disease. Therefore, it has been classified as a Variant of Uncertain Significance.

NM_000541.5(SAG):c.1108G>A (p.Glu370Lys)

Gene: SAG (S-antigen visual arrestin; plus strand). Cytogenetic location: 2q37.1.
Variant type: single nucleotide variant.
Coding change: c.1108G>A on transcript NM_000541.5 (MANE Select); coding-DNA position 1108, G replaced by A.
Protein change: p.Glu370Lys; replaces glutamic acid 370 with lysine.
Molecular consequence: missense variant.
Genome position (GRCh38, 1-based): chr2:233,346,408, G>A. VCF-style: chr2-233346408-G-A. GRCh37 (hg19) VCF-style: chr2-234255054-G-A.
Other names: short protein forms E370K.
Identifiers: ClinVar variation 1965924 (VCV001965924.5), dbSNP rs569235648, ClinGen allele CA67567622.